The following is an entry in ClinVar:

ClinVar aggregate classification (germline): Uncertain significance. Review status: criteria provided, multiple submitters, no conflicts (2 of 4 stars). 2 submissions from 2 submitters: Uncertain significance (2). Last evaluated 2026-02-17.

Conditions:
Cardiovascular phenotype. Identifiers: MedGen CN230736.

gnomAD v4.1: 1 of 1,611,582 alleles (0.000062%); highest among the groups gnomAD compares: Non-Finnish European, 0.000085%; no homozygotes.

Submissions (2):

Women's Health and Genetics/Laboratory Corporation of America, LabCorp
Classification: Uncertain significance. Last evaluated: 2026-02-17. Review status: criteria provided, single submitter. Criteria: LabCorp Variant Classification Summary - May 2015. Collection method: clinical testing. Allele origin: germline.
Comment: Variant summary: PRDM5 c.110C>A (p.Pro37His) results in a non-conservative amino acid change in the encoded protein sequence. Algorithms developed to predict the effect of missense changes on protein structure and function all suggest that this variant is likely to be disruptive. The variant was absent in 251332 control chromosomes. The available data on variant occurrences in the general population are insufficient to allow any conclusion about variant significance. To our knowledge, no occurrence of c.110C>A in individuals affected with PRDM5-related conditions and no experimental evidence demonstrating its impact on protein function have been reported. ClinVar contains an entry for this variant (Variation ID: 3424713). Based on the evidence outlined above, the variant was classified as uncertain significance.

Ambry Genetics
Classification: Uncertain significance for Cardiovascular phenotype. Last evaluated: 2024-10-07. Review status: criteria provided, single submitter. Criteria: Ambry Variant Classification Scheme 2023. Collection method: clinical testing. Allele origin: germline.
Comment: The p.P37H variant (also known as c.110C>A), located in coding exon 2 of the PRDM5 gene, results from a C to A substitution at nucleotide position 110. The proline at codon 37 is replaced by histidine, an amino acid with similar properties. This amino acid position is conserved. In addition, this alteration is predicted to be deleterious by in silico analysis. Based on the available evidence, the clinical significance of this variant remains unclear.

NM_018699.4(PRDM5):c.110C>A (p.Pro37His)

Gene: PRDM5 (PR/SET domain 5; minus strand). Cytogenetic location: 4q27.
Variant type: single nucleotide variant.
Coding change: c.110C>A on transcript NM_018699.4 (MANE Select); coding-DNA position 110, C replaced by A.
Protein change: p.Pro37His; replaces proline 37 with histidine.
Molecular consequence: missense variant.
Genome position (GRCh38, 1-based): chr4:120,907,541, G>T on the plus strand (C>A on the coding strand, the complement: PRDM5 is on the minus strand). VCF-style: chr4-120907541-G-T. GRCh37 (hg19) VCF-style: chr4-121828696-G-T.
Other names: c.110C>A, p.Pro37His (NM_001300823.2, NM_001300824.2, NM_001379104.1 and 1 more transcripts); short protein forms P37H.
Identifiers: ClinVar variation 3424713 (VCV003424713.2).
Genomic context (GRCh38, chr4:120,907,541, plus strand): 5'-ATCAACCTGTAATCCATATTTTCATCCAAGTCTTCAGGCATTCTCTTCTCTCCAGCAAAG[G>T]GTCCGAACTTTTCACCCTGAGTAGCAATGATTATATTGAACAAGGATTAGTACAATAAAT-3'
Protein context (NP_061169.2, residues 27-47): RRVRKGEKFG[Pro37His]FAGEKRMPED